The following is an entry in ClinVar:

ClinVar aggregate classification (germline): Uncertain significance (1 of 4 stars; one submission).

gnomAD v4.1: 62 of 1,608,402 alleles (0.0039%); highest among the groups gnomAD compares: Non-Finnish European, 0.0051%; no homozygotes.

Submission:

Labcorp Genetics (formerly Invitae), Labcorp
Classification: Uncertain significance. Last evaluated: 2024-12-25. Review status: criteria provided, single submitter. Criteria: Invitae Variant Classification Sherloc (09022015). Collection method: clinical testing. Allele origin: germline.
Comment: This sequence change replaces threonine, which is neutral and polar, with alanine, which is neutral and non-polar, at codon 61 of the CKAP2L protein (p.Thr61Ala). This variant is present in population databases (rs755206377, gnomAD 0.003%). This variant has not been reported in the literature in individuals affected with CKAP2L-related conditions. An algorithm developed to predict the effect of missense changes on protein structure and function outputs the following: PolyPhen-2: "Benign". The alanine amino acid residue is found in multiple mammalian species, which suggests that this missense change does not adversely affect protein function. In summary, the available evidence is currently insufficient to determine the role of this variant in disease. Therefore, it has been classified as a Variant of Uncertain Significance.

NM_152515.5(CKAP2L):c.181A>G (p.Thr61Ala)

Gene: CKAP2L (cytoskeleton associated protein 2 like; minus strand). Cytogenetic location: 2q14.1.
Variant type: single nucleotide variant.
Coding change: c.181A>G on transcript NM_152515.5 (MANE Select); coding-DNA position 181, A replaced by G.
Protein change: p.Thr61Ala; replaces threonine 61 with alanine.
Molecular consequence: missense variant. On other transcripts: non-coding transcript variant (1), intron variant (1).
Genome position (GRCh38, 1-based): chr2:112,757,190, T>C on the plus strand (A>G on the coding strand, the complement: CKAP2L is on the minus strand). VCF-style: chr2-112757190-T-C. GRCh37 (hg19) VCF-style: chr2-113514767-T-C.
Other names: c.-280-35A>G (NM_001304361.2); short protein forms T61A.
Identifiers: ClinVar variation 3710244 (VCV003710244.1).
Genomic context (GRCh38, chr2:112,757,190, plus strand): 5'-TGGGCTGGAGTTTAATGCTGATGGACCTTTTAGGTTTGACAGGCAAAACAACATGGTTGG[T>C]AACATCATTTTTGGGTCTAATAGTCTGAAAAAACAAAGAAAATACATATTAAAAAATCCT-3'
Protein context (NP_689728.3, residues 51-71): KSTIRPKNDV[Thr61Ala]NHVVLPVKPK